The following is an entry in ClinVar:

NM_003001.5(SDHC):c.179+3A>G

Gene: SDHC (succinate dehydrogenase complex subunit C; plus strand). Cytogenetic location: 1q23.3.
Variant type: single nucleotide variant.
Coding change: c.179+3A>G on transcript NM_003001.5 (MANE Select); 3 bases into the intron after coding-DNA position 179, A replaced by G.
Molecular consequence: intron variant.
Genome position (GRCh38, 1-based): chr1:161,328,500, A>G. VCF-style: chr1-161328500-A-G. GRCh37 (hg19) VCF-style: chr1-161298290-A-G.
Other names: c.68+3A>G (NM_001407119.1, NM_001407120.1); c.179+3A>G (NM_001407115.1, NM_001035511.3, NM_003001.3); c.77+4830A>G (NM_001035512.3, NM_001278172.3, NM_001407118.1); c.122+3A>G (NM_001407116.1, NM_001407121.1, NM_001407117.1); c.21-12094A>G (NM_001035513.3).
Identifiers: ClinVar variation 1936029 (VCV001936029.6), dbSNP rs1571851753, ClinGen allele CA2580061319.

ClinVar aggregate classification (germline): Uncertain significance. Review status: criteria provided, multiple submitters, no conflicts (2 of 4 stars). 2 submissions from 2 submitters: Uncertain significance (2). Last evaluated 2025-12-30.

Conditions:
Hereditary cancer-predisposing syndrome. Also called: Neoplastic Syndromes, Hereditary; Hereditary neoplastic syndrome; Hereditary Cancer Syndrome; Tumor predisposition. Identifiers: Orphanet 140162, MedGen C0027672, MeSH D009386, MONDO:0015356.
Pheochromocytoma/paraganglioma syndrome 3. Also called: SDHC-Related Hereditary Paraganglioma-Pheochromocytoma Syndrome (Paragangliomas 3); SDHC-Related Hereditary Paraganglioma-Pheochromocytoma Syndrome; GLOMUS TUMORS, FAMILIAL, 3; Paragangliomas 3. Identifiers: Orphanet 29072, MedGen C1854336, MONDO:0011544, OMIM 605373.
Gastrointestinal stromal tumor. Also called: Gastrointestinal stromal tumor, somatic; Gastrointestinal stroma tumor. Identifiers: Orphanet 44890, MedGen C0238198, MeSH D046152, MONDO:0011719, OMIM 606764, HP:0100723.

Submissions (2):

Labcorp Genetics (formerly Invitae), Labcorp
Classification: Uncertain significance for Pheochromocytoma/paraganglioma syndrome 3; Gastrointestinal stromal tumor. Last evaluated: 2025-12-30. Review status: criteria provided, single submitter. Criteria: Invitae Variant Classification Sherloc (09022015). Collection method: clinical testing. Allele origin: germline.
Comment: This sequence change falls in intron 3 of the SDHC gene. It does not directly change the encoded amino acid sequence of the SDHC protein. RNA analysis indicates that this variant induces altered splicing and may result in an absent or altered protein product. This variant is not present in population databases (gnomAD no frequency). This variant has not been reported in the literature in individuals affected with SDHC-related conditions. ClinVar contains an entry for this variant (Variation ID: 1936029). Variants that disrupt the consensus splice site are a relatively common cause of aberrant splicing (PMID: 17576681, 9536098). Studies have shown that this variant results in skipping of exon 3, and produces a non-functional protein and/or introduces a premature termination codon (internal data). In summary, the available evidence is currently insufficient to determine the role of this variant in disease. Therefore, it has been classified as a Variant of Uncertain Significance.

Ambry Genetics
Classification: Uncertain significance for Hereditary cancer-predisposing syndrome. Last evaluated: 2025-06-26. Review status: criteria provided, single submitter. Criteria: Ambry Variant Classification Scheme 2023. Collection method: clinical testing. Allele origin: germline.
Comment: The c.179+3A>G intronic variant results from an A to G substitution 3 nucleotides after coding exon 3 in the SDHC gene. This variant was reported in individual(s) with features consistent with SDHC-related hereditary pheochromocytoma-paraganglioma (Ambry internal data). This nucleotide position is conserved on limited sequence alignment. In silico splice site analysis predicts that this alteration may weaken the native splice donor site; however, direct evidence is insufficient at this time (Ambry internal data). Based on the available evidence, the clinical significance of this variant remains unclear.

Literature cited by the submitters: PubMed 17576681 (cited by Labcorp Genetics (formerly Invitae), Labcorp); PubMed 9536098 (cited by Labcorp Genetics (formerly Invitae), Labcorp).